The following is an entry in ClinVar:

ClinVar aggregate classification (germline): Uncertain significance (1 of 4 stars; one submission).

gnomAD v4.1: 1 of 1,613,554 alleles (0.000062%); highest among the groups gnomAD compares: South Asian, 0.0011%; no homozygotes.

Submission:

Labcorp Genetics (formerly Invitae), Labcorp
Classification: Uncertain significance. Last evaluated: 2025-01-21. Review status: criteria provided, single submitter. Criteria: Invitae Variant Classification Sherloc (09022015). Collection method: clinical testing. Allele origin: germline.
Comment: This sequence change falls in intron 8 of the LETM1 gene. It does not directly change the encoded amino acid sequence of the LETM1 protein. It affects a nucleotide within the consensus splice site. This variant is not present in population databases (gnomAD no frequency). This variant has not been reported in the literature in individuals affected with LETM1-related conditions. Variants that disrupt the consensus splice site are a relatively common cause of aberrant splicing (PMID: 17576681, 9536098). Algorithms developed to predict the effect of sequence changes on RNA splicing suggest that this variant may disrupt the consensus splice site. In summary, the available evidence is currently insufficient to determine the role of this variant in disease. Therefore, it has been classified as a Variant of Uncertain Significance.

Literature cited by the submitters: PubMed 17576681; PubMed 9536098.

NM_012318.3(LETM1):c.1332+5G>T

Gene: LETM1 (leucine zipper and EF-hand containing transmembrane protein 1; minus strand). Cytogenetic location: 4p16.3.
Variant type: single nucleotide variant.
Coding change: c.1332+5G>T on transcript NM_012318.3 (MANE Select); 5 bases into the intron after coding-DNA position 1332, G replaced by T.
Molecular consequence: intron variant.
Genome position (GRCh38, 1-based): chr4:1,823,639, C>A on the plus strand (G>T on the coding strand, the complement: LETM1 is on the minus strand). VCF-style: chr4-1823639-C-A. GRCh37 (hg19) VCF-style: chr4-1825366-C-A.
Identifiers: ClinVar variation 3728725 (VCV003728725.2).
Genomic context (GRCh38, chr4:1,823,639, plus strand): 5'-CCACCCCAGAAGAGCGGAGCCACCTATGAAGAGATGAGGTAAAAGGGGTCTCCGACAGCA[C>A]GTACCACAATCTCTGGGAGGGTCTGCAGTGTGGACTTGAGCTGGTCGGCTGGAGAGAGGG-3'